The following is an entry in ClinVar:

NC_000006.12:g.33711841C>A

Gene: UQCC2 (ubiquinol-cytochrome c reductase complex assembly factor 2; minus strand). Cytogenetic location: 6p21.31.
Variant type: single nucleotide variant.
Genome position: GRCh38 VCF-style: chr6-33711841-C-A. GRCh37 (hg19) VCF-style: chr6-33679618-C-A.
Identifiers: ClinVar variation 1691142 (VCV001691142.3), dbSNP rs543680644, ClinGen allele CA137114786.

ClinVar aggregate classification (germline): Likely benign (1 of 4 stars; one submission).

Allele frequency attached by ClinVar (database versions not stated): 1000 Genomes Project 0.00180; 1000 Genomes Project 30x 0.00187.

Submission:

GeneDx
Classification: Likely benign. Last evaluated: 2021-12-01. Review status: criteria provided, single submitter. Criteria: GeneDx Variant Classification Process June 2021. Collection method: clinical testing. Allele origin: germline. Affected: yes.
Comment: See Variant Classification Assertion Criteria.